The following is an entry in ClinVar:

ClinVar aggregate classification (germline): Uncertain significance (1 of 4 stars; one submission).

Conditions:
NEK8-related disorder. Also called: NEK8-related condition.

Submission:

PreventionGenetics, part of Exact Sciences
Classification: Uncertain significance for NEK8-related condition. Last evaluated: 2026-01-28. Review status: criteria provided, single submitter. Criteria: ACMG Guidelines, 2015. Collection method: clinical testing. Allele origin: germline.
Comment: The NEK8 c.676C>A variant is not predicted to result in an amino acid change (p.=). This variant is predicted to alter splicing based on available splicing prediction programs (SpliceAI, Jaganathan et al. 2019. PubMed ID: 30661751). However, the use of computer prediction programs is not equivalent to functional evidence. To our knowledge, this variant has not been reported in the literature or in a large population database (gnomAD), indicating this variant is rare. At this time, the clinical significance of this variant is uncertain due to the absence of conclusive functional and genetic evidence.

NM_178170.3(NEK8):c.676C>A (p.Arg226=)

Gene: NEK8 (NIMA related kinase 8; plus strand). Cytogenetic location: 17q11.2.
Variant type: single nucleotide variant.
Coding change: c.676C>A on transcript NM_178170.3 (MANE Select); coding-DNA position 676, C replaced by A.
Protein change: p.Arg226=; no amino-acid change (arginine 226 retained).
Molecular consequence: synonymous variant.
Genome position (GRCh38, 1-based): chr17:28,737,363, C>A. VCF-style: chr17-28737363-C-A. GRCh37 (hg19) VCF-style: chr17-27064381-C-A.
Identifiers: ClinVar variation 4993975 (VCV004993975.1).
Genomic context (GRCh38, chr17:28,737,363, plus strand): 5'-CAGAACTTGCCAGCACTGGTGCTGAAGATCATGAGTGGCACCTTTGCACCTATCTCTGAC[C>A]GGTACAGCCCTGAGCTTCGCCAGCTGGTCCTGAGTCTACTCAGCCTGGAGCCTGCCCAGC-3'
Protein context (NP_835464.1, residues 216-236): MSGTFAPISD[Arg226=]YSPELRQLVL